The following is an entry in ClinVar:

ClinVar aggregate classification (germline): Uncertain significance (1 of 4 stars; one submission).

Submission:

Labcorp Genetics (formerly Invitae), Labcorp
Classification: Uncertain significance. Last evaluated: 2025-09-14. Review status: criteria provided, single submitter. Criteria: Invitae Variant Classification Sherloc (09022015). Collection method: clinical testing. Allele origin: germline.
Comment: This sequence change replaces glycine, which is neutral and non-polar, with arginine, which is basic and polar, at codon 529 of the ADAMTS10 protein (p.Gly529Arg). This variant is not present in population databases (gnomAD no frequency). This variant has not been reported in the literature in individuals affected with ADAMTS10-related conditions. An algorithm developed to predict the effect of missense changes on protein structure and function (PolyPhen-2) suggests that this variant is likely to be disruptive. In summary, the available evidence is currently insufficient to determine the role of this variant in disease. Therefore, it has been classified as a Variant of Uncertain Significance.

NM_030957.4(ADAMTS10):c.1585G>A (p.Gly529Arg)

Gene: ADAMTS10 (ADAM metallopeptidase with thrombospondin type 1 motif 10; minus strand). Cytogenetic location: 19p13.2.
Variant type: single nucleotide variant.
Coding change: c.1585G>A on transcript NM_030957.4 (MANE Select); coding-DNA position 1585, G replaced by A.
Protein change: p.Gly529Arg; replaces glycine 529 with arginine.
Molecular consequence: missense variant.
Genome position (GRCh38, 1-based): chr19:8,592,765, C>T on the plus strand (G>A on the coding strand, the complement: ADAMTS10 is on the minus strand). VCF-style: chr19-8592765-C-T. GRCh37 (hg19) VCF-style: chr19-8657649-C-T.
Other names: short protein forms G529R.
Identifiers: ClinVar variation 4727177 (VCV004727177.1).